The following is an entry in ClinVar:

NM_032409.3(PINK1):c.*265G>T

Genes: PINK1-AS (PINK1 antisense RNA; minus strand), PINK1 (PTEN induced kinase 1; plus strand). Cytogenetic location: 1p36.12.
Variant type: single nucleotide variant.
Coding change: c.*265G>T on transcript NM_032409.3 (MANE Select); 265 bases downstream of the stop codon, G replaced by T.
Molecular consequence: 3 prime UTR variant. On other transcripts: non-coding transcript variant (1).
Genome position (GRCh38, 1-based): chr1:20,650,956, G>T. VCF-style: chr1-20650956-G-T. GRCh37 (hg19) VCF-style: chr1-20977449-G-T.
Identifiers: ClinVar variation 295015 (VCV000295015.9), dbSNP rs512550, ClinGen allele CA10609559.
Genomic context (GRCh38, chr1:20,650,956, plus strand): 5'-AATGGCCAAGCTGGTCTAGTAGATGAGGCTGGACTGAGGAGGGGTAGGCCTGCATCCACA[G>T]AGAGGATCCAGGCCAAGGCACTGGCTGTCAGTGGCAGAGTTTGGCTGTGACCTTTGCCCC-3'

ClinVar aggregate classification (germline): Benign/Likely benign. Review status: criteria provided, multiple submitters, no conflicts (2 of 4 stars). 3 submissions from 3 submitters: Benign (2); Likely benign (1). Last evaluated 2018-07-09.

Conditions:
Autosomal recessive early-onset Parkinson disease 6 (PARK6). Also called: PARKINSON DISEASE 6, EARLY-ONSET; PINK1 Type of Young-Onset Parkinson Disease; PINK1-Related Parkinson Disease; PARKINSON DISEASE 6, MODIFIER OF. Identifiers: Orphanet 2828, MedGen C1853833, MONDO:0011613, OMIM 605909.

Allele frequency attached by ClinVar (database versions not stated): 1000 Genomes Project 0.52177; 1000 Genomes Project 30x 0.52561; TOPMed 0.55979; gnomAD 0.56113 and 0.56246; gnomAD exomes 0.57995.
gnomAD v4.1: 298,416 of 519,190 alleles (57%); highest among the groups gnomAD compares: Middle Eastern, 69%; 86,899 homozygotes.

Submissions (3):

GeneDx
Classification: Benign. Last evaluated: 2018-07-09. Review status: criteria provided, single submitter. Criteria: GeneDx Variant Classification Process June 2021. Collection method: clinical testing. Allele origin: germline. Affected: yes.

Illumina Laboratory Services, Illumina
Classification: Benign for Autosomal recessive early-onset Parkinson disease 6. Last evaluated: 2018-01-12. Review status: criteria provided, single submitter. Criteria: ICSL Variant Classification Criteria 13 December 2019. Collection method: clinical testing. Allele origin: germline.
Comment: This variant was observed in the ICSL laboratory as part of a predisposition screen in an ostensibly healthy population. It had not been previously curated by ICSL or reported in the Human Gene Mutation Database (HGMD: prior to June 1st, 2018), and was therefore a candidate for classification through an automated scoring system. Utilizing variant allele frequency, disease prevalence and penetrance estimates, and inheritance mode, an automated score was calculated to assess if this variant is too frequent to cause the disease. Based on the score and internal cut-off values, a variant classified as benign is not then subjected to further curation. The score for this variant resulted in a classification of benign for this disease.

Breakthrough Genomics
Classification: Likely benign. Review status: criteria provided, single submitter. Criteria: ACMG Guidelines, 2015. Collection method: not provided. Allele origin: germline. Inheritance: Autosomal recessive inheritance. Affected: yes.